The following is an entry in ClinVar:

ClinVar aggregate classification (germline): Uncertain significance (1 of 4 stars; one submission).

Conditions:
Adams-Oliver syndrome 5 (AOS5). Identifiers: Orphanet 974, MedGen C4014970, MONDO:0014459, OMIM 616028.

Submission:

Labcorp Genetics (formerly Invitae), Labcorp
Classification: Uncertain significance for Adams-Oliver syndrome 5. Last evaluated: 2025-01-23. Review status: criteria provided, single submitter. Criteria: Invitae Variant Classification Sherloc (09022015). Collection method: clinical testing. Allele origin: germline.
Comment: This sequence change replaces proline, which is neutral and non-polar, with leucine, which is neutral and non-polar, at codon 1054 of the NOTCH1 protein (p.Pro1054Leu). This variant is not present in population databases (gnomAD no frequency). This variant has not been reported in the literature in individuals affected with NOTCH1-related conditions. Invitae Evidence Modeling of protein sequence and biophysical properties (such as structural, functional, and spatial information, amino acid conservation, physicochemical variation, residue mobility, and thermodynamic stability) indicates that this missense variant is not expected to disrupt NOTCH1 protein function with a negative predictive value of 80%. In summary, the available evidence is currently insufficient to determine the role of this variant in disease. Therefore, it has been classified as a Variant of Uncertain Significance.

NM_017617.5(NOTCH1):c.3161C>T (p.Pro1054Leu)

Gene: NOTCH1 (notch receptor 1; minus strand). Cytogenetic location: 9q34.3.
Variant type: single nucleotide variant.
Coding change: c.3161C>T on transcript NM_017617.5 (MANE Select); coding-DNA position 3161, C replaced by T.
Protein change: p.Pro1054Leu; replaces proline 1054 with leucine.
Molecular consequence: missense variant.
Genome position (GRCh38, 1-based): chr9:136,508,880, G>A on the plus strand (C>T on the coding strand, the complement: NOTCH1 is on the minus strand). VCF-style: chr9-136508880-G-A. GRCh37 (hg19) VCF-style: chr9-139403332-G-A.
Other names: short protein forms P1054L.
Identifiers: ClinVar variation 3697761 (VCV003697761.2).
Genomic context (GRCh38, chr9:136,508,880, plus strand): 5'-CACCCACCCAGGGCCCCTCCTTCGGGCACCTCTGTGGCCGGCGCACTCACCTGGCAGTTG[G>A]GGCCAGTGTAGCCCTGGGGGCAGGTGCACCTGTAGGAGCCGCAGCCGTCCTGACAGGTGC-3'
Protein context (NP_060087.3, residues 1044-1064): RCTCPQGYTG[Pro1054Leu]NCQNLVHWCD